The following is an entry in ClinVar:

NM_002049.4(GATA1):c.413C>T (p.Thr138Ile)

Gene: GATA1 (GATA binding protein 1; plus strand). Cytogenetic location: Xp11.23.
Variant type: single nucleotide variant.
Coding change: c.413C>T on transcript NM_002049.4 (MANE Select); coding-DNA position 413, C replaced by T.
Protein change: p.Thr138Ile; replaces threonine 138 with isoleucine.
Molecular consequence: missense variant.
Genome position (GRCh38, 1-based): chrX:48,792,036, C>T. VCF-style: chrX-48792036-C-T. GRCh37 (hg19) VCF-style: chrX-48650443-C-T.
Other names: short protein forms T138I.
Identifiers: ClinVar variation 1315772 (VCV001315772.5), dbSNP rs2147306456, ClinGen allele CA412869000.

ClinVar aggregate classification (germline): Uncertain significance. Review status: criteria provided, multiple submitters, no conflicts (2 of 4 stars). 2 submissions from 2 submitters: Uncertain significance (2). Last evaluated 2024-12-19.

Conditions:
Diamond-Blackfan anemia. Also called: Blackfan Diamond syndrome; Aregenerative anemia chronic congenital; Red cell aplasia, pure hereditary; Congenital hypoplastic anemia; Aase syndrome. Identifiers: Orphanet 124, MedGen C1260899, MeSH D029503, MONDO:0015253, HP:0004810.
GATA binding protein 1 related thrombocytopenia with dyserythropoiesis. Also called: GATA1-Related Cytopenia; GATA1-Related X-Linked Cytopenia. Identifiers: MedGen C1845837, MONDO:0100089.

Allele frequency attached by ClinVar (database versions not stated): gnomAD exomes below 0.00001.

Submissions (2):

Labcorp Genetics (formerly Invitae), Labcorp
Classification: Uncertain significance for GATA binding protein 1 related thrombocytopenia with dyserythropoiesis; Diamond-Blackfan anemia. Last evaluated: 2024-12-19. Review status: criteria provided, single submitter. Criteria: Invitae Variant Classification Sherloc (09022015). Collection method: clinical testing. Allele origin: germline.
Comment: This sequence change replaces threonine, which is neutral and polar, with isoleucine, which is neutral and non-polar, at codon 138 of the GATA1 protein (p.Thr138Ile). This variant is not present in population databases (gnomAD no frequency). This variant has not been reported in the literature in individuals affected with GATA1-related conditions. ClinVar contains an entry for this variant (Variation ID: 1315772). Invitae Evidence Modeling of protein sequence and biophysical properties (such as structural, functional, and spatial information, amino acid conservation, physicochemical variation, residue mobility, and thermodynamic stability) indicates that this missense variant is not expected to disrupt GATA1 protein function with a negative predictive value of 95%. In summary, the available evidence is currently insufficient to determine the role of this variant in disease. Therefore, it has been classified as a Variant of Uncertain Significance.

GeneDx
Classification: Uncertain significance. Last evaluated: 2019-10-21. Review status: criteria provided, single submitter. Criteria: GeneDx Variant Classification Process June 2021. Collection method: clinical testing. Allele origin: germline. Affected: yes.
Comment: Not observed in large population cohorts (Lek et al., 2016); In silico analysis, which includes protein predictors and evolutionary conservation, supports that this variant does not alter protein structure/function; Has not been previously published as pathogenic or benign to our knowledge